The following is an entry in ClinVar:

NM_000090.4(COL3A1):c.366C>A (p.Asp122Glu)

Gene: COL3A1 (collagen type III alpha 1 chain; plus strand). Cytogenetic location: 2q32.2.
Variant type: single nucleotide variant.
Coding change: c.366C>A on transcript NM_000090.4 (MANE Select); coding-DNA position 366, C replaced by A.
Protein change: p.Asp122Glu; replaces aspartic acid 122 with glutamic acid.
Molecular consequence: missense variant.
Genome position (GRCh38, 1-based): chr2:188,985,697, C>A. VCF-style: chr2-188985697-C-A. GRCh37 (hg19) VCF-style: chr2-189850423-C-A.
Other names: short protein forms D122E.
Identifiers: ClinVar variation 3074894 (VCV003074894.1), dbSNP rs749038976, ClinGen allele CA076233.

ClinVar aggregate classification (germline): Uncertain significance (1 of 4 stars; one submission).

Conditions:
Ehlers-Danlos syndrome, type 4 (EDSVASC). Also called: Ehlers-Danlos Syndrome Type IV; Ehlers-Danlos syndrome vascular type; Ehlers Danlos syndrome, ecchymotic type; Ehlers Danlos syndrome, arterial type; Ehlers Danlos syndrome, Sack-Barabas type. Identifiers: Orphanet 286, MedGen C0268338, MONDO:0017314, OMIM 130050.

Allele frequency attached by ClinVar (database versions not stated): ExAC 0.00001.
gnomAD v4.1: 2 of 1,610,692 alleles (0.00012%); highest among the groups gnomAD compares: South Asian, 0.0022%; no homozygotes.

Submission:

All of Us Research Program, National Institutes of Health
Classification: Uncertain significance for Ehlers-Danlos syndrome, type 4. Last evaluated: 2023-12-13. Review status: criteria provided, single submitter. Criteria: ACMG Guidelines, 2015. Collection method: clinical testing. Allele origin: germline. Inheritance: Autosomal dominant inheritance. Observed: 1 variant allele, 1 heterozygote.
Comment: This missense variant replaces aspartic acid with glutamic acid at codon 122 of the COL3A1 protein. Computational prediction suggests that this variant may not impact protein structure and function (internally defined REVEL score threshold <= 0.5, PMID: 27666373). To our knowledge, functional studies have not been reported for this variant. This variant has not been reported in individuals affected with COL3A1-related disorders in the literature. This variant has been identified in 1/250150 chromosomes in the general population by the Genome Aggregation Database (gnomAD). The available evidence is insufficient to determine the role of this variant in disease conclusively. Therefore, this variant is classified as a Variant of Uncertain Significance.

This study involves interpretation of variants in research participants for the purpose of population health screening. Participant phenotype was not available at the time of variant classification. Additional details can be found in publication PMID: 35346344, PMCID: PMC8962531